The following is an entry in ClinVar:

NM_000170.3(GLDC):c.900C>T (p.Cys300=)

Gene: GLDC (glycine decarboxylase; minus strand). Cytogenetic location: 9p24.1.
Variant type: single nucleotide variant.
Coding change: c.900C>T on transcript NM_000170.3 (MANE Select); coding-DNA position 900, C replaced by T.
Protein change: p.Cys300=; no amino-acid change (cysteine 300 retained).
Molecular consequence: synonymous variant.
Genome position (GRCh38, 1-based): chr9:6,604,746, G>A on the plus strand (C>T on the coding strand, the complement: GLDC is on the minus strand). VCF-style: chr9-6604746-G-A. GRCh37 (hg19) VCF-style: chr9-6604746-G-A.
Other names: c.900C>T (NM_000170.2).
Identifiers: ClinVar variation 1639370 (VCV001639370.10), dbSNP rs143256976, ClinGen allele CA4980926.

ClinVar aggregate classification (germline): Likely benign. Review status: criteria provided, multiple submitters, no conflicts (2 of 4 stars). 3 submissions from 3 submitters: Likely benign (3). Last evaluated 2026-05-11.

Conditions:
GLDC-related disorder. Also called: GLDC-related condition.
Glycine encephalopathy. Also called: Nonketotic hyperglycinemia; Non-ketotic hyperglycinemia. Identifiers: Orphanet 407, MedGen C0751748, MONDO:0011612, HP:0008288.

Allele frequency attached by ClinVar (database versions not stated): gnomAD exomes 0.00001 and 0.00002; ExAC 0.00002; gnomAD 0.00002; TOPMed 0.00002; ESP Exome Variant Server 0.00008.
gnomAD v4.1: 24 of 1,613,990 alleles (0.0015%); highest among the groups gnomAD compares: Non-Finnish European, 0.0019%; no homozygotes.

Submissions (3):

PreventionGenetics, part of Exact Sciences
Classification: Likely benign for GLDC-related condition. Last evaluated: 2026-05-11. Review status: criteria provided, single submitter. Criteria: ACMG Guidelines, 2015. Collection method: clinical testing. Allele origin: germline.
Comment: This variant is classified as likely benign based on ACMG/AMP sequence variant interpretation guidelines (Richards et al. 2015 PMID: 25741868, with internal and published modifications).

Labcorp Genetics (formerly Invitae), Labcorp
Classification: Likely benign for Glycine encephalopathy. Last evaluated: 2024-05-29. Review status: criteria provided, single submitter. Criteria: Invitae Variant Classification Sherloc (09022015). Collection method: clinical testing. Allele origin: germline.

Breakthrough Genomics
Classification: Likely benign. Review status: criteria provided, single submitter. Criteria: ACMG Guidelines, 2015. Collection method: not provided. Allele origin: germline. Inheritance: Autosomal recessive inheritance. Affected: yes.